The following is an entry in ClinVar:

ClinVar aggregate classification (germline): Uncertain significance (1 of 4 stars; one submission).

Conditions:
Inborn genetic diseases. Identifiers: MedGen C0950123, MeSH D030342.

Submission:

Ambry Genetics
Classification: Uncertain significance for Inborn genetic diseases. Last evaluated: 2016-08-24. Review status: criteria provided, single submitter. Criteria: Ambry Variant Classification Scheme 2023. Collection method: clinical testing. Allele origin: germline.
Comment: The p.P11S variant (also known as c.31C>T), located in coding exon 1 of the IQSEC2 gene, results from a C to T substitution at nucleotide position 31. The proline at codon 11 is replaced by serine, an amino acid with similar properties. This variant was not reported in population based cohorts in the following databases: Database of Single Nucleotide Polymorphisms (dbSNP), NHLBI Exome Sequencing Project (ESP), and 1000 Genomes Project. In the ESP, this variant was not observed in 1737 samples with coverage at this position. This amino acid position is well conserved in available vertebrate species. In addition, this alteration is predicted to be tolerated by in silico analysis. Since supporting evidence is limited at this time, the clinical significance of this alteration remains unclear.

NM_001111125.3(IQSEC2):c.31C>T (p.Pro11Ser)

Gene: IQSEC2 (IQ motif and Sec7 domain ArfGEF 2; minus strand). Cytogenetic location: Xp11.22.
Variant type: single nucleotide variant.
Coding change: c.31C>T on transcript NM_001111125.3 (MANE Select); coding-DNA position 31, C replaced by T.
Protein change: p.Pro11Ser; replaces proline 11 with serine.
Molecular consequence: missense variant.
Genome position (GRCh38, 1-based): chrX:53,321,093, G>A on the plus strand (C>T on the coding strand, the complement: IQSEC2 is on the minus strand). VCF-style: chrX-53321093-G-A. GRCh37 (hg19) VCF-style: chrX-53350291-G-A.
Other names: short protein forms P11S.
Identifiers: ClinVar variation 588199 (VCV000588199.6), dbSNP rs1569342169, ClinGen allele CA413240270.
Genomic context (GRCh38, chrX:53,321,093, plus strand): 5'-CGATGATGTTGTTCAGCTCCAGCAGGTACTCCACGGCCCGATTTGGGCTCTCGGATCCCG[G>A]GCCGCCCGGGGGCCCCGACCCCGCCTCCATCCTGGCGGCCCAGGGGCAGGGGAACGGGCA-3'
Protein context (NP_001104595.1, residues 1-21): MEAGSGPPGG[Pro11Ser]GSESPNRAVE